The following is an entry in ClinVar:

NM_001694.4(ATP6V0C):c.14A>G (p.Lys5Arg)

Genes: ATP6V0C (ATPase H+ transporting V0 subunit c; plus strand), LOC130058249 (ATAC-STARR-seq lymphoblastoid silent region 7056; plus strand). Cytogenetic location: 16p13.3.
Variant type: single nucleotide variant.
Coding change: c.14A>G on transcript NM_001694.4 (MANE Select); coding-DNA position 14, A replaced by G.
Protein change: p.Lys5Arg; replaces lysine 5 with arginine.
Molecular consequence: missense variant.
Genome position (GRCh38, 1-based): chr16:2,514,117, A>G. VCF-style: chr16-2514117-A-G. GRCh37 (hg19) VCF-style: chr16-2564118-A-G.
Other names: c.14A>G, p.Lys5Arg (NM_001198569.2); short protein forms K5R.
Identifiers: ClinVar variation 4823506 (VCV004823506.4).

ClinVar aggregate classification (germline): Uncertain significance (1 of 4 stars; one submission).

gnomAD v4.1: 2 of 1,584,990 alleles (0.00013%); highest among the groups gnomAD compares: Non-Finnish European, 0.00017%; no homozygotes.

Submission:

CeGaT Center for Human Genetics Tuebingen
Classification: Uncertain significance. Last evaluated: 2026-03-01. Review status: criteria provided, single submitter. Criteria: CeGaT Center For Human Genetics Tuebingen Variant Classification Criteria Version 2. Collection method: clinical testing. Allele origin: germline. Affected: yes. Observed: 1 variant allele.
Comment: ATP6V0C: PP2